The following is an entry in ClinVar:

NM_001220.5(CAMK2B):c.1889G>A (p.Gly630Asp)

Gene: CAMK2B (calcium/calmodulin dependent protein kinase II beta; minus strand). Cytogenetic location: 7p13.
Variant type: single nucleotide variant.
Coding change: c.1889G>A on transcript NM_001220.5 (MANE Select); coding-DNA position 1889, G replaced by A.
Protein change: p.Gly630Asp; replaces glycine 630 with aspartic acid.
Molecular consequence: missense variant.
Genome position (GRCh38, 1-based): chr7:44,220,174, C>T on the plus strand (G>A on the coding strand, the complement: CAMK2B is on the minus strand). VCF-style: chr7-44220174-C-T. GRCh37 (hg19) VCF-style: chr7-44259773-C-T.
Other names: c.1517G>A, p.Gly506Asp (NM_001293170.2, NM_172078.3); c.1445G>A, p.Gly482Asp (NM_172079.3); c.1442G>A, p.Gly481Asp (NM_172080.3); c.1400G>A, p.Gly467Asp (NM_172081.3); c.1367G>A, p.Gly456Asp (NM_172082.3); c.1328G>A, p.Gly443Asp (NM_172083.3); c.1238G>A, p.Gly413Asp (NM_172084.3); short protein forms G413D, G630D, G456D, G467D, G482D, G481D, G506D, G443D.
Identifiers: ClinVar variation 4730313 (VCV004730313.1).
Genomic context (GRCh38, chr7:44,220,174, plus strand): 5'-CACTTGCCGTCGCGGCGGTGCCACACGCGGGTCTCCTCAGACTGGCTGGTGCGGGGCCGG[C>T]CCTGCCCGTCAATGTACTGCGTGAGCCGGATGTAAGCGATGCAGGCGGCATCCTCTCCAA-3'
Protein context (NP_001211.3, residues 620-640): IRLTQYIDGQ[Gly630Asp]RPRTSQSEET

ClinVar aggregate classification (germline): Uncertain significance (1 of 4 stars; one submission).

Submission:

Labcorp Genetics (formerly Invitae), Labcorp
Classification: Uncertain significance. Last evaluated: 2025-11-04. Review status: criteria provided, single submitter. Criteria: Invitae Variant Classification Sherloc (09022015). Collection method: clinical testing. Allele origin: germline.
Comment: This sequence change replaces glycine, which is neutral and non-polar, with aspartic acid, which is acidic and polar, at codon 630 of the CAMK2B protein (p.Gly630Asp). This variant is not present in population databases (gnomAD no frequency). This variant has not been reported in the literature in individuals affected with CAMK2B-related conditions. An algorithm developed to predict the effect of missense changes on protein structure and function (PolyPhen-2) suggests that this variant is likely to be disruptive. In summary, the available evidence is currently insufficient to determine the role of this variant in disease. Therefore, it has been classified as a Variant of Uncertain Significance.